The following is an entry in ClinVar:

ClinVar aggregate classification (germline): Uncertain significance (1 of 4 stars; one submission).

Conditions:
Dilated cardiomyopathy 1W (CMD1W). Identifiers: Orphanet 154, MedGen C1969639, MONDO:0012667, OMIM 611407.

Submission:

Labcorp Genetics (formerly Invitae), Labcorp
Classification: Uncertain significance for Dilated cardiomyopathy 1W. Last evaluated: 2022-08-16. Review status: criteria provided, single submitter. Criteria: Invitae Variant Classification Sherloc (09022015). Collection method: clinical testing. Allele origin: germline.
Comment: In summary, the available evidence is currently insufficient to determine the role of this variant in disease. Therefore, it has been classified as a Variant of Uncertain Significance. ClinVar contains an entry for this variant (Variation ID: 1349513). This variant has not been reported in the literature in individuals affected with VCL-related conditions. This variant is not present in population databases (gnomAD no frequency). This sequence change creates a premature translational stop signal (p.Gln63Argfs*5) in the VCL gene. It is expected to result in an absent or disrupted protein product. However, the current clinical and genetic evidence is not sufficient to establish whether loss-of-function variants in VCL cause disease.

NM_014000.3(VCL):c.186_195del (p.Gln63fs)

Gene: VCL (vinculin; plus strand). Cytogenetic location: 10q22.2.
Variant type: Deletion.
Coding change: c.186_195del on transcript NM_014000.3 (MANE Select); coding-DNA positions 186 to 195, 10 bases deleted (TCAAACCACT; older notation c.186_195delTCAAACCACT).
Protein change: p.Gln63fs; shifts the reading frame from glutamine 63.
Molecular consequence: frameshift variant.
Genome position (GRCh38, 1-based): chr10:74,043,100-74,043,109, TCAAACCACT deleted; deleting any 10 consecutive bases within chr10:74,043,099-74,043,109 gives the same sequence; the c. name uses the placement nearest the transcript's 3' end. VCF-style (leftmost placement, unchanged base first): chr10-74043098-GTTCAAACCAC-G. GRCh37 (hg19) VCF-style: chr10-75802856-GTTCAAACCAC-G.
Other names: c.186_195del, p.Gln63fs (NM_003373.4); short protein forms Q63fs.
Identifiers: ClinVar variation 1349513 (VCV001349513.6), dbSNP rs1841126016, ClinGen allele CA1919878304.